The following is an entry in ClinVar:

NM_001377334.1(PIK3C2B):c.1899C>T (p.Phe633=)

Gene: PIK3C2B (phosphatidylinositol-4-phosphate 3-kinase catalytic subunit type 2 beta; minus strand). Cytogenetic location: 1q32.1.
Variant type: single nucleotide variant.
Coding change: c.1899C>T on transcript NM_001377334.1 (MANE Select); coding-DNA position 1899, C replaced by T.
Protein change: p.Phe633=; no amino-acid change (phenylalanine 633 retained).
Molecular consequence: synonymous variant.
Genome position (GRCh38, 1-based): chr1:204,455,900, G>A on the plus strand (C>T on the coding strand, the complement: PIK3C2B is on the minus strand). VCF-style: chr1-204455900-G-A. GRCh37 (hg19) VCF-style: chr1-204425028-G-A.
Other names: c.1899C>T, p.Phe633= (NM_001377335.1, NM_002646.4).
Identifiers: ClinVar variation 3056397 (VCV003056397.2), dbSNP rs3765156, ClinGen allele CA1347855.

ClinVar aggregate classification (germline): Benign (0 of 4 stars; one submission).

Conditions:
PIK3C2B-related disorder. Also called: PIK3C2B-related condition.

Allele frequency attached by ClinVar (database versions not stated): TOPMed 0.13790; ESP Exome Variant Server 0.13894; gnomAD 0.15400; gnomAD exomes 0.18232; ExAC 0.19141; 1000 Genomes Project 30x 0.19347; 1000 Genomes Project 0.20327.
gnomAD v4.1: 289,914 of 1,613,696 alleles (18%); highest among the groups gnomAD compares: East Asian, 41%; 29,066 homozygotes.

Submission:

PreventionGenetics, part of Exact Sciences
Classification: Benign for PIK3C2B-related condition. Last evaluated: 2024-03-27. Review status: no assertion criteria provided. Collection method: clinical testing. Allele origin: germline.
Comment: This variant is classified as benign based on ACMG/AMP sequence variant interpretation guidelines (Richards et al. 2015 PMID: 25741868, with internal and published modifications).